The following is an entry in ClinVar:

ClinVar aggregate classification (germline): Uncertain significance (1 of 4 stars; one submission).

gnomAD v4.1: 41 of 1,614,142 alleles (0.0025%); highest among the groups gnomAD compares: African/African-American, 0.029%; 1 homozygote.

Submission:

Labcorp Genetics (formerly Invitae), Labcorp
Classification: Uncertain significance. Last evaluated: 2025-06-12. Review status: criteria provided, single submitter. Criteria: Invitae Variant Classification Sherloc (09022015). Collection method: clinical testing. Allele origin: germline.
Comment: This sequence change replaces serine, which is neutral and polar, with leucine, which is neutral and non-polar, at codon 192 of the ANLN protein (p.Ser192Leu). This variant is present in population databases (rs139482132, gnomAD 0.02%). This variant has not been reported in the literature in individuals affected with ANLN-related conditions. ClinVar contains an entry for this variant (Variation ID: 3710842). An algorithm developed to predict the effect of missense changes on protein structure and function outputs the following: PolyPhen-2: "Probably Damaging". The leucine amino acid residue is found in multiple mammalian species, which suggests that this missense change does not adversely affect protein function. In summary, the available evidence is currently insufficient to determine the role of this variant in disease. Therefore, it has been classified as a Variant of Uncertain Significance.

NM_018685.5(ANLN):c.575C>T (p.Ser192Leu)

Gene: ANLN (anillin, actin binding protein; plus strand). Cytogenetic location: 7p14.2.
Variant type: single nucleotide variant.
Coding change: c.575C>T on transcript NM_018685.5 (MANE Select); coding-DNA position 575, C replaced by T.
Protein change: p.Ser192Leu; replaces serine 192 with leucine.
Molecular consequence: missense variant.
Genome position (GRCh38, 1-based): chr7:36,406,268, C>T. VCF-style: chr7-36406268-C-T. GRCh37 (hg19) VCF-style: chr7-36445877-C-T.
Other names: c.575C>T, p.Ser192Leu (NM_001284301.3, NM_001284302.3); short protein forms S192L.
Identifiers: ClinVar variation 3710842 (VCV003710842.2).